The following is an entry in ClinVar:

NM_006206.6(PDGFRA):c.2563A>G (p.Thr855Ala)

Gene: PDGFRA (platelet derived growth factor receptor alpha; plus strand). Cytogenetic location: 4q12.
Variant type: single nucleotide variant.
Coding change: c.2563A>G on transcript NM_006206.6 (MANE Select); coding-DNA position 2563, A replaced by G.
Protein change: p.Thr855Ala; replaces threonine 855 with alanine.
Molecular consequence: missense variant.
Genome position (GRCh38, 1-based): chr4:54,287,430, A>G. VCF-style: chr4-54287430-A-G. GRCh37 (hg19) VCF-style: chr4-55153597-A-G.
Other names: c.2638A>G, p.Thr880Ala (NM_001347828.2); c.2563A>G, p.Thr855Ala (NM_001347829.2); c.2602A>G, p.Thr868Ala (NM_001347830.2); short protein forms T880A, T855A, T868A.
Identifiers: ClinVar variation 1448164 (VCV001448164.6), dbSNP rs2110341131, ClinGen allele CA356895126.

ClinVar aggregate classification (germline): Uncertain significance (1 of 4 stars; one submission).

Conditions:
Gastrointestinal stromal tumor. Also called: Gastrointestinal stroma tumor; Gastrointestinal stromal tumor, somatic. Identifiers: Orphanet 44890, MedGen C0238198, MeSH D046152, MONDO:0011719, OMIM 606764, HP:0100723.

Submission:

Labcorp Genetics (formerly Invitae), Labcorp
Classification: Uncertain significance for Gastrointestinal stromal tumor. Last evaluated: 2021-08-26. Review status: criteria provided, single submitter. Criteria: Invitae Variant Classification Sherloc (09022015). Collection method: clinical testing. Allele origin: germline.
Comment: This sequence change replaces threonine with alanine at codon 855 of the PDGFRA protein (p.Thr855Ala). The threonine residue is highly conserved and there is a small physicochemical difference between threonine and alanine. This variant is not present in population databases (ExAC no frequency). This variant has not been reported in the literature in individuals affected with PDGFRA-related conditions. Algorithms developed to predict the effect of missense changes on protein structure and function are either unavailable or do not agree on the potential impact of this missense change (SIFT: "Tolerated"; PolyPhen-2: "Possibly Damaging"; Align-GVGD: "Class C0"). In summary, the available evidence is currently insufficient to determine the role of this variant in disease. Therefore, it has been classified as a Variant of Uncertain Significance.